The following is an entry in ClinVar:

NM_001009944.3(PKD1):c.11599G>A (p.Val3867Ile)

Genes: PKD1 (polycystin 1, transient receptor potential channel interacting; minus strand), PKD1-AS1 (PKD1 antisense RNA 1; plus strand). Cytogenetic location: 16p13.3.
Variant type: single nucleotide variant.
Coding change: c.11599G>A on transcript NM_001009944.3 (MANE Select); coding-DNA position 11599, G replaced by A.
Protein change: p.Val3867Ile; replaces valine 3867 with isoleucine.
Molecular consequence: missense variant. On other transcripts: non-coding transcript variant (1).
Genome position (GRCh38, 1-based): chr16:2,091,536, C>T on the plus strand (G>A on the coding strand, the complement: PKD1 is on the minus strand). VCF-style: chr16-2091536-C-T. GRCh37 (hg19) VCF-style: chr16-2141537-C-T.
Other names: c.11596G>A (NM_000296.3); c.11596G>A, p.Val3866Ile (NM_000296.4); short protein forms V3866I, V3867I.
Identifiers: ClinVar variation 3578918 (VCV003578918.3).

ClinVar aggregate classification (germline): Uncertain significance. Review status: criteria provided, multiple submitters, no conflicts (2 of 4 stars). 3 submissions from 3 submitters: Uncertain significance (3). Last evaluated 2026-01-17.

Conditions:
Inborn genetic diseases. Identifiers: MedGen C0950123, MeSH D030342.
Polycystic kidney disease, adult type (PKD1). Also called: Polycystic Kidney Disease 1, Autosomal Dominant; Polycystic kidney disease 1; Polycystic kidney disease 1, severe; POLYCYSTIC KIDNEY DISEASE 1 WITH OR WITHOUT POLYCYSTIC LIVER DISEASE; POLYCYSTIC KIDNEY DISEASE, ADULT, TYPE I; Polycystic Kidney, Autosomal Dominant. Identifiers: MedGen C3149841, MONDO:0008263, OMIM 173900.

gnomAD v4.1: 6 of 1,504,598 alleles (0.0004%); highest among the groups gnomAD compares: African/African-American, 0.0029%; no homozygotes.

Submissions (3):

Women's Health and Genetics/Laboratory Corporation of America, LabCorp
Classification: Uncertain significance. Last evaluated: 2026-01-17. Review status: criteria provided, single submitter. Criteria: LabCorp Variant Classification Summary - May 2015. Collection method: clinical testing. Allele origin: germline.
Comment: Variant summary: PKD1 c.11599G>A (p.Val3867Ile) results in a conservative amino acid change in the encoded protein sequence. Algorithms developed to predict the effect of missense changes on protein structure and function all suggest that this variant is likely to be tolerated. The frequency data for this variant in gnomAD is considered unreliable, as metrics indicate poor data quality at this position. To our knowledge, no occurrence of c.11599G>A in individuals affected with PKD1-related conditions and no experimental evidence demonstrating its impact on protein function have been reported. ClinVar contains an entry for this variant (Variation ID: 3578918). Based on the evidence outlined above, the variant was classified as uncertain significance.

Ambry Genetics
Classification: Uncertain significance for Inborn genetic diseases. Last evaluated: 2025-03-25. Review status: criteria provided, single submitter. Criteria: Ambry Variant Classification Scheme 2023. Collection method: clinical testing. Allele origin: germline.

Fulgent Genetics
Classification: Uncertain significance for Polycystic kidney disease, adult type. Last evaluated: 2024-01-30. Review status: criteria provided, single submitter. Criteria: ACMG Guidelines, 2015. Collection method: clinical testing. Allele origin: germline.